The following is an entry in ClinVar:

NM_001035.3(RYR2):c.8437-3T>C

Gene: RYR2 (ryanodine receptor 2; plus strand). Cytogenetic location: 1q43.
Variant type: single nucleotide variant.
Coding change: c.8437-3T>C on transcript NM_001035.3 (MANE Select); 3 bases into the intron before coding-DNA position 8437, T replaced by C.
Molecular consequence: intron variant.
Genome position (GRCh38, 1-based): chr1:237,666,509, T>C. VCF-style: chr1-237666509-T-C. GRCh37 (hg19) VCF-style: chr1-237829809-T-C.
Identifiers: ClinVar variation 925585 (VCV000925585.16), dbSNP rs924080705, ClinGen allele CA39813051.

ClinVar aggregate classification (germline): Conflicting classifications of pathogenicity. Review status: criteria provided, conflicting classifications (1 of 4 stars). 6 submissions from 6 submitters: Uncertain significance (3); Likely benign (3). Last evaluated 2025-12-08.

Conditions:
Cardiovascular phenotype. Identifiers: MedGen CN230736.
Cardiomyopathy (CMYO). Also called: Cardiomyopathies. Identifiers: Orphanet 167848, MedGen C0878544, MONDO:0004994, HP:0001638. Inheritance: Various modes of inheritance.
Catecholaminergic polymorphic ventricular tachycardia (CVPT). Also called: Catecholamine-induced polymorphic ventricular tachycardia. Identifiers: Orphanet 3286, MedGen C5574922, MONDO:0017990.
Catecholaminergic polymorphic ventricular tachycardia 1. Also called: RYR2-Related Catecholaminergic Polymorphic Ventricular Tachycardia; VENTRICULAR TACHYCARDIA, STRESS-INDUCED POLYMORPHIC 1; VENTRICULAR TACHYCARDIA, CATECHOLAMINERGIC POLYMORPHIC, 1, WITH OR WITHOUT ATRIAL DYSFUNCTION AND/OR DILATED CARDIOMYOPATHY. Identifiers: Orphanet 3286, MedGen C1631597, MONDO:0011484, OMIM 604772.

Allele frequency attached by ClinVar (database versions not stated): gnomAD exomes 0.00001 and 0.00006; TOPMed 0.00005; gnomAD 0.00006.

Submissions (6):

Labcorp Genetics (formerly Invitae), Labcorp
Classification: Uncertain significance for Catecholaminergic polymorphic ventricular tachycardia 1. Last evaluated: 2025-12-08. Review status: criteria provided, single submitter. Criteria: Invitae Variant Classification Sherloc (09022015). Collection method: clinical testing. Allele origin: germline.
Comment: This sequence change falls in intron 56 of the RYR2 gene. It does not directly change the encoded amino acid sequence of the RYR2 protein. It affects a nucleotide within the consensus splice site. This variant is present in population databases (no rsID available, gnomAD 0.004%). This variant has not been reported in the literature in individuals affected with RYR2-related conditions. ClinVar contains an entry for this variant (Variation ID: 925585). Variants that disrupt the consensus splice site are a relatively common cause of aberrant splicing (PMID: 17576681, 9536098). Algorithms developed to predict the effect of sequence changes on RNA splicing suggest that this variant is not likely to affect RNA splicing. In summary, the available evidence is currently insufficient to determine the role of this variant in disease. Therefore, it has been classified as a Variant of Uncertain Significance.

Ambry Genetics
Classification: Uncertain significance for Cardiovascular phenotype. Last evaluated: 2025-08-07. Review status: criteria provided, single submitter. Criteria: Ambry Variant Classification Scheme 2023. Collection method: clinical testing. Allele origin: germline.
Comment: The c.8437-3T>C intronic variant results from a T to C substitution 3 nucleotides upstream from coding exon 57 in the RYR2 gene. This nucleotide position is not well conserved in available vertebrate species. In silico splice site analysis predicts that this alteration will not have any significant effect on splicing. Since supporting evidence is limited at this time, the clinical significance of this alteration remains unclear.

Blueprint Genetics
Classification: Likely benign. Last evaluated: 2024-02-02. Review status: criteria provided, single submitter. Criteria: ACMG Guidelines, 2015. Collection method: clinical testing. Allele origin: germline.

All of Us Research Program, National Institutes of Health
Classification: Likely benign for Catecholaminergic polymorphic ventricular tachycardia. Last evaluated: 2024-01-11. Review status: criteria provided, single submitter. Criteria: ACMG Guidelines, 2015. Collection method: clinical testing. Allele origin: germline. Inheritance: Autosomal dominant inheritance. Observed: 6 variant alleles, 6 heterozygotes.
Comment: This study involves interpretation of variants in research participants for the purpose of population health screening. Participant phenotype was not available at the time of variant classification. Additional details can be found in publication PMID: 35346344, PMCID: PMC8962531

Women's Health and Genetics/Laboratory Corporation of America, LabCorp
Classification: Uncertain significance. Last evaluated: 2020-12-28. Review status: criteria provided, single submitter. Criteria: LabCorp Variant Classification Summary - May 2015. Collection method: clinical testing. Allele origin: germline.
Comment: Variant summary: RYR2 c.8437-3T>C alters a conserved nucleotide located close to a canonical splice site and therefore could affect mRNA splicing, leading to a significantly altered protein sequence. 4/4 computational tools predict no significant impact on normal splicing. However, these predictions have yet to be confirmed by functional studies. The variant allele was found at a frequency of 1.2e-05 in 244484 control chromosomes. The available data on variant occurrences in the general population are insufficient to allow any conclusion about variant significance. To our knowledge, no occurrence of c.8437-3T>C in individuals affected with Cardiomyopathy and no experimental evidence demonstrating its impact on protein function have been reported. Two clinical diagnostic laboratories have submitted clinical-significance assessments for this variant to ClinVar after 2014 without evidence for independent evaluation. One laboratory classified the variant as likely benign, and one laboratory classified the variant as uncertain significance. Based on the evidence outlined above, the variant was classified as uncertain significance.

Color Diagnostics, LLC DBA Color Health
Classification: Likely benign for Cardiomyopathy. Last evaluated: 2018-12-05. Review status: criteria provided, single submitter. Criteria: ACMG Guidelines, 2015. Collection method: clinical testing. Allele origin: germline.

Literature cited by the submitters: PubMed 17576681 (cited by Labcorp Genetics (formerly Invitae), Labcorp); PubMed 9536098 (cited by Labcorp Genetics (formerly Invitae), Labcorp).